The following is an entry in ClinVar:

ClinVar aggregate classification (germline): Uncertain significance (1 of 4 stars; one submission).

Conditions:
Combined immunodeficiency due to ZAP70 deficiency (IMD48). Also called: Immunodeficiency 48; ZAP70 Deficiency. Identifiers: Orphanet 911, MedGen C2931299, MONDO:0010023, OMIM 269840.

Submission:

Labcorp Genetics (formerly Invitae), Labcorp
Classification: Uncertain significance for Combined immunodeficiency due to ZAP70 deficiency. Last evaluated: 2024-02-24. Review status: criteria provided, single submitter. Criteria: Invitae Variant Classification Sherloc (09022015). Collection method: clinical testing. Allele origin: germline.
Comment: This sequence change replaces glycine with glutamic acid at codon 606 of the ZAP70 protein (p.Gly606Glu). The glycine residue is weakly conserved and there is a moderate physicochemical difference between glycine and glutamic acid. This variant is not present in population databases (gnomAD no frequency). This variant has not been reported in the literature in individuals affected with ZAP70-related conditions. ClinVar contains an entry for this variant (Variation ID: 1391948). Algorithms developed to predict the effect of missense changes on protein structure and function output the following: SIFT: "Not Available"; PolyPhen-2: "Benign"; Align-GVGD: "Not Available". The glutamic acid amino acid residue is found in multiple mammalian species, which suggests that this missense change does not adversely affect protein function. In summary, the available evidence is currently insufficient to determine the role of this variant in disease. Therefore, it has been classified as a Variant of Uncertain Significance.

NM_001079.4(ZAP70):c.1817G>A (p.Gly606Glu)

Gene: ZAP70 (zeta chain of T cell receptor associated protein kinase 70; plus strand). Cytogenetic location: 2q11.2.
Variant type: single nucleotide variant.
Coding change: c.1817G>A on transcript NM_001079.4 (MANE Select); coding-DNA position 1817, G replaced by A.
Protein change: p.Gly606Glu; replaces glycine 606 with glutamic acid.
Molecular consequence: missense variant.
Genome position (GRCh38, 1-based): chr2:97,739,455, G>A. VCF-style: chr2-97739455-G-A. GRCh37 (hg19) VCF-style: chr2-98355918-G-A.
Other names: c.1817G>A, p.Gly606Glu (NM_001378594.1); c.896G>A, p.Gly299Glu (NM_207519.2); short protein forms G299E, G606E.
Identifiers: ClinVar variation 1391948 (VCV001391948.6), dbSNP rs2104709604, ClinGen allele CA347806568.